The following is an entry in ClinVar:

NM_000414.4(HSD17B4):c.68G>A (p.Arg23Gln)

Gene: HSD17B4 (hydroxysteroid 17-beta dehydrogenase 4; plus strand). Cytogenetic location: 5q23.1.
Variant type: single nucleotide variant.
Coding change: c.68G>A on transcript NM_000414.4 (MANE Select); coding-DNA position 68, G replaced by A.
Protein change: p.Arg23Gln; replaces arginine 23 with glutamine.
Molecular consequence: missense variant. On other transcripts: synonymous variant (1), 5 prime UTR variant (7), non-coding transcript variant (2), intron variant (1).
Genome position (GRCh38, 1-based): chr5:119,456,324, G>A. VCF-style: chr5-119456324-G-A. GRCh37 (hg19) VCF-style: chr5-118792019-G-A.
Other names: c.78G>A, p.Pro26= (NM_001199291.3); c.-70G>A (NM_001292027.2); c.-344G>A (NM_001292028.2, NM_001374501.1); c.68G>A, p.Arg23Gln (NM_001374497.1, NM_001374498.1); c.-278G>A (NM_001374499.1); c.-471G>A (NM_001374500.1); c.-349G>A (NM_001374502.1); c.-414G>A (NM_001374503.1); and 1 more; short protein forms R23Q.
Identifiers: ClinVar variation 1448679 (VCV001448679.6), dbSNP rs762613990, ClinGen allele CA3381654.
Genomic context (GRCh38, chr5:119,456,324, plus strand): 5'-AAAATTATGCTGACATTTCTTCAACTTTCTGATTATTTTGTTTTTGATTAGGATTGGGCC[G>A]AGCCTATGCCCTGGCTTTTGCAGAAAGAGGAGCGTTAGTTGTTGGTAAGTTGGTGTGTTT-3'
Protein context (NP_000405.1, residues 13-33): LVTGAGAGLG[Arg23Gln]AYALAFAERG

ClinVar aggregate classification (germline): Uncertain significance. Review status: criteria provided, multiple submitters, no conflicts (2 of 4 stars). 2 submissions from 2 submitters: Uncertain significance (2). Last evaluated 2021-10-14.

Conditions:
Perrault syndrome. Also called: Gonadal dysgenesis with auditory dysfunction, autosomal recessive inheritance. Identifiers: Orphanet 2855, MedGen C0685838, MONDO:0017312.
Bifunctional peroxisomal enzyme deficiency (DBIF). Also called: PBFE DEFICIENCY; D-bifunctional protein deficiency; DBP DEFICIENCY. Identifiers: Orphanet 300, MedGen C0342870, MONDO:0009855, OMIM 261515. Disease mechanism: loss of function.
Perrault syndrome 1 (PRLTS1). Also called: GONADAL DYSGENESIS, XX TYPE, WITH DEAFNESS; OVARIAN DYSGENESIS WITH SENSORINEURAL DEAFNESS. Identifiers: Orphanet 2855, Orphanet 642945, MedGen C4551721, MONDO:0009300, OMIM 233400.

gnomAD v4.1: 47 of 1,610,832 alleles (0.0029%); highest among the groups gnomAD compares: South Asian, 0.0077%; no homozygotes.

Submissions (2):

Labcorp Genetics (formerly Invitae), Labcorp
Classification: Uncertain significance for Perrault syndrome; Bifunctional peroxisomal enzyme deficiency. Last evaluated: 2021-10-14. Review status: criteria provided, single submitter. Criteria: Invitae Variant Classification Sherloc (09022015). Collection method: clinical testing. Allele origin: germline.
Comment: This sequence change replaces arginine with glutamine at codon 23 of the HSD17B4 protein (p.Arg23Gln). The arginine residue is highly conserved and there is a small physicochemical difference between arginine and glutamine. This variant is present in population databases (rs762613990, ExAC 0.02%). This variant has not been reported in the literature in individuals affected with HSD17B4-related conditions. Algorithms developed to predict the effect of missense changes on protein structure and function are either unavailable or do not agree on the potential impact of this missense change (SIFT: "Deleterious"; PolyPhen-2: "Probably Damaging"; Align-GVGD: "Class C0"). In summary, the available evidence is currently insufficient to determine the role of this variant in disease. Therefore, it has been classified as a Variant of Uncertain Significance.

Fulgent Genetics
Classification: Uncertain significance for Perrault syndrome 1; Bifunctional peroxisomal enzyme deficiency. Last evaluated: 2021-07-15. Review status: criteria provided, single submitter. Criteria: ACMG Guidelines, 2015. Collection method: clinical testing. Allele origin: unknown.